The following is an entry in ClinVar:

ClinVar aggregate classification (germline): Uncertain significance (1 of 4 stars; one submission).

Submission:

GeneDx
Classification: Uncertain significance. Last evaluated: 2024-03-10. Review status: criteria provided, single submitter. Criteria: GeneDx Variant Classification Process June 2021. Collection method: clinical testing. Allele origin: germline. Affected: yes.
Comment: In-frame deletion of 3 amino acids in a repetitive region with no known function; Not observed at significant frequency in large population cohorts (gnomAD); Has not been previously published as pathogenic or benign to our knowledge

NM_001197104.2(KMT2A):c.186_194del (p.Ala65_Ala67del)

Gene: KMT2A (lysine methyltransferase 2A; plus strand). Cytogenetic location: 11q23.3.
Variant type: Deletion.
Coding change: c.186_194del on transcript NM_001197104.2 (MANE Select); coding-DNA positions 186 to 194, 9 bases deleted (CGCGGCGGC; older notation c.186_194delCGCGGCGGC).
Protein change: p.Ala65_Ala67del.
Molecular consequence: inframe indel (on NM_001197104.1).
Genome position (GRCh38, 1-based): chr11:118,436,698-118,436,706, CGCGGCGGC deleted; deleting any 9 consecutive bases within chr11:118,436,692-118,436,706 gives the same sequence; the c. name uses the placement nearest the transcript's 3' end. VCF-style (leftmost placement, unchanged base first): chr11-118436691-TGGCGGCCGC-T. GRCh37 (hg19) VCF-style: chr11-118307406-TGGCGGCCGC-T.
Other names: c.186_194delCGCGGCGGC, p.Ala65_Ala67del (NM_001197104.1); c.186_194del, p.Ala65_Ala67del (NM_001412597.1, NM_005933.4).
Identifiers: ClinVar variation 3370597 (VCV003370597.1).